The following is an entry in ClinVar:

ClinVar aggregate classification (germline): Likely benign. Review status: criteria provided, multiple submitters, no conflicts (2 of 4 stars). 3 submissions from 3 submitters: Likely benign (3). Last evaluated 2025-09-02.

Conditions:
Inborn genetic diseases. Identifiers: MedGen C0950123, MeSH D030342.

Allele frequency attached by ClinVar (database versions not stated): gnomAD 0.00001; gnomAD exomes 0.00002; TOPMed 0.00002; ExAC 0.00007.
gnomAD v4.1: 15 of 1,613,802 alleles (0.00093%); highest among the groups gnomAD compares: Admixed American, 0.025%; no homozygotes.

Submissions (3):

Labcorp Genetics (formerly Invitae), Labcorp
Classification: Likely benign. Last evaluated: 2025-09-02. Review status: criteria provided, single submitter. Criteria: Invitae Variant Classification Sherloc (09022015). Collection method: clinical testing. Allele origin: germline.

Mayo Clinic Laboratories, Mayo Clinic
Classification: Likely benign. Last evaluated: 2025-04-30. Review status: criteria provided, single submitter. Criteria: ACMG Guidelines, 2015. Collection method: clinical testing. Allele origin: germline. Observed: 1 variant allele.
Comment: BP4, BP7

Ambry Genetics
Classification: Likely benign for Inborn genetic diseases. Last evaluated: 2024-12-04. Review status: criteria provided, single submitter. Criteria: Ambry Variant Classification Scheme 2023. Collection method: clinical testing. Allele origin: germline.

NM_024598.4(USB1):c.303G>A (p.Val101=)

Gene: USB1 (U6 snRNA biogenesis phosphodiesterase 1; plus strand). Cytogenetic location: 16q21.
Variant type: single nucleotide variant.
Coding change: c.303G>A on transcript NM_024598.4 (MANE Select); coding-DNA position 303, G replaced by A.
Protein change: p.Val101=; no amino-acid change (valine 101 retained).
Molecular consequence: synonymous variant.
Genome position (GRCh38, 1-based): chr16:58,009,966, G>A. VCF-style: chr16-58009966-G-A. GRCh37 (hg19) VCF-style: chr16-58043870-G-A.
Other names: p.Val101=; c.303G>A, p.Val101= (NM_001195302.2, NM_001204911.2, NM_001330569.2); c.150G>A, p.Val50= (NM_001330568.2).
Identifiers: ClinVar variation 2156671 (VCV002156671.6), dbSNP rs770239330, ClinGen allele CA8084874.
Genomic context (GRCh38, chr16:58,009,966, plus strand): 5'-CCCTCTTTACTCCTCCCCTCCAGATGAAGCCAAGGAGGAGTTCCTGGATCTGCTTGATGT[G>A]TTGCTGCCCCATGCCCAGACATATGTCCCCCGGCTGGTAAGGATGAAGGTGTTCCACCTC-3'
Protein context (NP_078874.2, residues 91-111): AKEEFLDLLD[Val101=]LLPHAQTYVP